The following is an entry in ClinVar:

ClinVar aggregate classification (germline): Uncertain significance. Review status: criteria provided, multiple submitters, no conflicts (2 of 4 stars). 2 submissions from 2 submitters: Uncertain significance (2). Last evaluated 2025-02-06.

Conditions:
Inborn genetic diseases. Identifiers: MedGen C0950123, MeSH D030342.

Allele frequency attached by ClinVar (database versions not stated): gnomAD exomes 0.00001 and 0.00002; ExAC 0.00002; gnomAD 0.00003 and 0.00004; TOPMed 0.00006.
gnomAD v4.1: 21 of 1,613,998 alleles (0.0013%); highest among the groups gnomAD compares: Admixed American, 0.005%; no homozygotes.

Submissions (2):

Ambry Genetics
Classification: Uncertain significance for Inborn genetic diseases. Last evaluated: 2025-02-06. Review status: criteria provided, single submitter. Criteria: Ambry Variant Classification Scheme 2023. Collection method: clinical testing. Allele origin: germline.

Labcorp Genetics (formerly Invitae), Labcorp
Classification: Uncertain significance. Last evaluated: 2023-08-04. Review status: criteria provided, single submitter. Criteria: Invitae Variant Classification Sherloc (09022015). Collection method: clinical testing. Allele origin: germline.
Comment: This variant is present in population databases (rs749524739, gnomAD 0.003%). This variant has not been reported in the literature in individuals affected with TUBGCP4-related conditions. This sequence change replaces arginine, which is basic and polar, with glutamine, which is neutral and polar, at codon 634 of the TUBGCP4 protein (p.Arg634Gln). In summary, the available evidence is currently insufficient to determine the role of this variant in disease. Therefore, it has been classified as a Variant of Uncertain Significance. ClinVar contains an entry for this variant (Variation ID: 953297). An algorithm developed to predict the effect of missense changes on protein structure and function (PolyPhen-2) suggests that this variant¬†is likely to be tolerated.

NM_014444.5(TUBGCP4):c.1898G>A (p.Arg633Gln)

Genes: TP53BP1 (tumor protein p53 binding protein 1; minus strand), TUBGCP4 (tubulin gamma complex component 4; plus strand). Cytogenetic location: 15q15.3.
Variant type: single nucleotide variant.
Coding change: c.1898G>A on transcript NM_014444.5 (MANE Select); coding-DNA position 1898, G replaced by A.
Protein change: p.Arg633Gln; replaces arginine 633 with glutamine.
Molecular consequence: missense variant. On other transcripts: 3 prime UTR variant (5).
Genome position (GRCh38, 1-based): chr15:43,404,462, G>A. VCF-style: chr15-43404462-G-A. GRCh37 (hg19) VCF-style: chr15-43696660-G-A.
Other names: c.1901G>A, p.Arg634Gln (NM_001286414.3); c.*2921C>T (NM_001141979.3, NM_001141980.3, NM_001355001.2 and 2 more transcripts); c.1898G>A (NM_014444.2); short protein forms R633Q, R634Q.
Identifiers: ClinVar variation 953297 (VCV000953297.8), dbSNP rs749524739, ClinGen allele CA7524245.